The following is an entry in ClinVar:

NM_000548.5(TSC2):c.911G>A (p.Trp304Ter)

Gene: TSC2 (TSC complex subunit 2; plus strand). Cytogenetic location: 16p13.3.
Variant type: single nucleotide variant.
Coding change: c.911G>A on transcript NM_000548.5 (MANE Select); coding-DNA position 911, G replaced by A.
Protein change: p.Trp304Ter; replaces tryptophan 304 with a stop codon.
Molecular consequence: nonsense.
Genome position (GRCh38, 1-based): chr16:2,058,809, G>A. VCF-style: chr16-2058809-G-A. GRCh37 (hg19) VCF-style: chr16-2108810-G-A.
Other names: c.911G>A, p.Trp304Ter (NM_001077183.3, NM_001114382.3, NM_001363528.2 and 3 more transcripts); c.800G>A, p.Trp267Ter (NM_001318827.2); c.764G>A, p.Trp255Ter (NM_001318829.2); c.311G>A, p.Trp104Ter (NM_001318831.2); c.944G>A, p.Trp315Ter (NM_001318832.2); c.911G>A (NM_000548.4); short protein forms W304*, W255*, W104*, W267*, W315*.
Identifiers: ClinVar variation 49405 (VCV000049405.7), dbSNP rs45517140, ClinGen allele CA023109.
Genomic context (GRCh38, chr16:2,058,809, plus strand): 5'-CCTACATGGAGGACGCGCCCCTGCTGAGAGGAGCCGTGTTTTTTGTGGGCATGGCTCTCT[G>A]GGGAGCCCACCGGCTCTATTCTCTCAGGAACTCGCCGACATCTGTGTTGCCATCATTTTA-3'

ClinVar aggregate classification (germline): Pathogenic. Review status: criteria provided, multiple submitters, no conflicts (2 of 4 stars). 4 submissions from 4 submitters: Pathogenic (2). 2 of the submissions do not count toward it. Last evaluated 2024-11-10.

Conditions:
TSC2-related disorder. Also called: TSC2-related condition; TSC2-Related Disorders.
Tuberous sclerosis 2 (TSC2). Identifiers: Orphanet 805, MedGen C1860707, MONDO:0013199, OMIM 613254.
Tuberous sclerosis syndrome (TSC). Also called: Tuberous Sclerosis Complex; Tuberous sclerosis. Identifiers: Orphanet 805, MedGen C0041341, MONDO:0001734.

Submissions (4):

Labcorp Genetics (formerly Invitae), Labcorp
Classification: Pathogenic for Tuberous sclerosis 2. Last evaluated: 2024-11-10. Review status: criteria provided, single submitter. Criteria: Invitae Variant Classification Sherloc (09022015). Collection method: clinical testing. Allele origin: germline.
Comment: This sequence change creates a premature translational stop signal (p.Trp304*) in the TSC2 gene. It is expected to result in an absent or disrupted protein product. Loss-of-function variants in TSC2 are known to be pathogenic (PMID: 10205261, 17304050). This variant is not present in population databases (gnomAD no frequency). This premature translational stop signal has been observed in individual(s) with TSC2-related conditions (PMID: 28643795, 28968464). ClinVar contains an entry for this variant (Variation ID: 49405). For these reasons, this variant has been classified as Pathogenic.

PreventionGenetics, part of Exact Sciences
Classification: Pathogenic for TSC2-related condition. Last evaluated: 2023-09-27. Review status: criteria provided, single submitter. Criteria: ACMG Guidelines, 2015. Collection method: clinical testing. Allele origin: germline.
Comment: The TSC2 c.911G>A variant is predicted to result in premature protein termination (p.Trp304*). This variant has been reported in individuals with tuberous sclerosis complex (Table 4, Dabora et al. 2001. PubMed ID: 11112665; Table S2, Martin et al. 2017. PubMed ID: 28643795; Table 2, Rosset et al. 2017. PubMed ID: 28968464). This variant has not been reported in a large population database, indicating this variant is rare. It is interpreted as pathogenic in ClinVar. Nonsense variants in TSC2 are expected to be pathogenic. This variant is interpreted as pathogenic.

Genetic Services Laboratory, University of Chicago
Classification: Pathogenic. Last evaluated: 2022-08-31. Review status: no assertion criteria provided. Collection method: clinical testing. Allele origin: germline. Affected: yes. Not counted in ClinVar's aggregate classification.
Comment: DNA sequence analysis of the TSC2 gene demonstrated a sequence change, c.911G>A, which results in the creation of a premature stop codon at amino acid position 304, p.Trp304*. This pathogenic sequence change is predicted to result in an abnormal transcript, which may be degraded, or may lead to the production of a truncated TSC2 protein with potentially abnormal function. This sequence change has not been described in the population databases such as ExAC and gnomAD. This pathogenic sequence change has previously been described in individuals with TSC2-related disorders (PMID: 28643795, 28968464, 25782670). Collectively, these evidences indicate this sequence change is pathogenic.

Tuberous sclerosis database (TSC2)
No classification provided. Condition: TSC. Review status: no classification provided. Criteria: Tuberous Sclerosis Database Assertion Criteria 2015. Collection method: curation. Allele origin: germline. Affected: yes. Not counted in ClinVar's aggregate classification.

Literature cited by the submitters: PubMed 10205261 (cited by Labcorp Genetics (formerly Invitae), Labcorp); PubMed 17304050 (cited by Labcorp Genetics (formerly Invitae), Labcorp); PubMed 28643795 (cited by Labcorp Genetics (formerly Invitae), Labcorp); PubMed 28968464 (cited by Labcorp Genetics (formerly Invitae), Labcorp).